The following is an entry in ClinVar:

ClinVar aggregate classification (germline): Pathogenic (1 of 4 stars; one submission).

Conditions:
Familial adenomatous polyposis 1 (FAP1). Also called: POLYPOSIS, ADENOMATOUS INTESTINAL; FAMILIAL ADENOMATOUS POLYPOSIS 1, ATTENUATED. Identifiers: MedGen C2713442, MONDO:0021056, OMIM 175100. Disease mechanism: loss of function.

Submission:

Labcorp Genetics (formerly Invitae), Labcorp
Classification: Pathogenic for Familial adenomatous polyposis 1. Last evaluated: 2022-12-10. Review status: criteria provided, single submitter. Criteria: Invitae Variant Classification Sherloc (09022015). Collection method: clinical testing. Allele origin: germline.
Comment: For these reasons, this variant has been classified as Pathogenic. Studies have shown that disruption of this splice site results in activation of a cryptic splice site and introduces a premature termination codon (Invitae). The resulting mRNA is expected to undergo nonsense-mediated decay. Disruption of this splice site has been observed in individuals with familial adenomatous polyposis (PMID: 7959691, 9950360; Invitae). This variant is not present in population databases (gnomAD no frequency). This sequence change affects an acceptor splice site in intron 5 of the APC gene. RNA analysis indicates that disruption of this splice site induces altered splicing and may result in an absent or disrupted protein product.

Literature cited by the submitters: PubMed 7959691; PubMed 9950360.

NM_000038.6(APC):c.532-1G>T

Gene: APC (APC regulator of Wnt signaling pathway; plus strand). Cytogenetic location: 5q22.2.
Variant type: single nucleotide variant.
Coding change: c.532-1G>T on transcript NM_000038.6 (MANE Select); the canonical splice acceptor site of the intron before coding-DNA position 532, G replaced by T.
Molecular consequence: splice acceptor variant.
Genome position (GRCh38, 1-based): chr5:112,780,789, G>T. VCF-style: chr5-112780789-G-T. GRCh37 (hg19) VCF-style: chr5-112116486-G-T.
Other names: c.-504-1G>T (NM_001407470.1, NM_001407472.1, NM_001354906.2 and 1 more transcripts); c.532-1G>T (NM_001407447.1, NM_001354895.2, NM_001407456.1 and 16 more transcripts); c.562-1G>T (NM_001407446.1, NM_001354897.2, NM_001354902.2 and 1 more transcripts); c.355-1G>T (NM_001407453.1, NM_001354900.2, NM_001354901.2 and 1 more transcripts); c.457-1G>T (NM_001407451.1, NM_001354898.2, NM_001354904.2).
Identifiers: ClinVar variation 2734755 (VCV002734755.3), dbSNP rs1554072547, ClinGen allele CA360617497.